The following is an entry in ClinVar:

NM_002401.5(MAP3K3):c.1176G>C (p.Gln392His)

Gene: MAP3K3 (mitogen-activated protein kinase kinase kinase 3; plus strand). Cytogenetic location: 17q23.3.
Variant type: single nucleotide variant.
Coding change: c.1176G>C on transcript NM_002401.5 (MANE Select); coding-DNA position 1176, G replaced by C.
Protein change: p.Gln392His; replaces glutamine 392 with histidine.
Molecular consequence: missense variant.
Genome position (GRCh38, 1-based): chr17:63,690,376, G>C. VCF-style: chr17-63690376-G-C. GRCh37 (hg19) VCF-style: chr17-61767736-G-C.
Other names: c.1164G>C, p.Gln388His (NM_001330431.2); c.1257G>C, p.Gln419His (NM_001363768.2); c.1269G>C, p.Gln423His (NM_203351.3); short protein forms Q419H, Q423H, Q392H, Q388H.
Identifiers: ClinVar variation 4974610 (VCV004974610.1).

ClinVar aggregate classification (germline): Uncertain significance (1 of 4 stars; one submission).

Conditions:
Cerebral cavernous malformations 5. Identifiers: MedGen C5975541, MONDO:0975952, OMIM 621032.

Submission:

Clinical Genomics Laboratory, Washington University in St. Louis
Classification: Uncertain significance for Cerebral cavernous malformations 5. Last evaluated: 2026-01-08. Review status: criteria provided, single submitter. Criteria: ACMG Guidelines, 2015. Collection method: clinical testing. Allele origin: germline.
Comment: A MAP3K3 c.1176G>C (p.Gln392His) variant was identified at a near heterozygous allelic fraction of 46.9%, a frequency which may be consistent with germline origin. This variant, to our knowledge, has not been reported in the medical literature or the ClinVar database. This variant is observed in 16/1,614,062 alleles in the general population (gnomAD v4.1.0), including a single homozygous individual. Computational predictors are uncertain as to the impact of this variant on MAP3K3 function. Due to limited information, and based on ACMG/AMP guidelines for variant interpretation (Richards S et al., PMID: 25741868), the clinical significance of this variant is uncertain at this time.